The following is an entry in ClinVar:

ClinVar aggregate classification (germline): Benign/Likely benign. Review status: criteria provided, multiple submitters, no conflicts (2 of 4 stars). 5 submissions from 5 submitters: Benign (1); Likely benign (4). Last evaluated 2025-12-24.

Conditions:
Hereditary cancer-predisposing syndrome. Also called: Tumor predisposition; Hereditary neoplastic syndrome; Neoplastic Syndromes, Hereditary; Hereditary Cancer Syndrome. Identifiers: Orphanet 140162, MedGen C0027672, MeSH D009386, MONDO:0015356.
Familial adenomatous polyposis 1 (FAP1). Also called: FAMILIAL ADENOMATOUS POLYPOSIS 1, ATTENUATED; POLYPOSIS, ADENOMATOUS INTESTINAL. Identifiers: MedGen C2713442, MONDO:0021056, OMIM 175100. Disease mechanism: loss of function.

Allele frequency attached by ClinVar (database versions not stated): gnomAD exomes below 0.00001.
gnomAD v4.1: 2 of 1,614,100 alleles (0.00012%); highest among the groups gnomAD compares: Non-Finnish European, 0.00017%; no homozygotes.

Submissions (5):

Labcorp Genetics (formerly Invitae), Labcorp
Classification: Likely benign for Familial adenomatous polyposis 1. Last evaluated: 2025-12-24. Review status: criteria provided, single submitter. Criteria: Invitae Variant Classification Sherloc (09022015). Collection method: clinical testing. Allele origin: germline.

Myriad Genetics, Inc.
Classification: Benign for Familial adenomatous polyposis 1. Last evaluated: 2024-03-18. Review status: criteria provided, single submitter. Criteria: Myriad Autosomal Dominant, Autosomal Recessive and X-Linked Classification Criteria (2023). Collection method: clinical testing. Allele origin: unknown.
Comment: This variant is considered benign. This variant is a silent/synonymous amino acid change and it is not expected to impact splicing.

Color Diagnostics, LLC DBA Color Health
Classification: Likely benign for Hereditary cancer-predisposing syndrome. Last evaluated: 2023-12-04. Review status: criteria provided, single submitter. Criteria: ACMG Guidelines, 2015. Collection method: clinical testing. Allele origin: germline.

Ambry Genetics
Classification: Likely benign for Hereditary cancer-predisposing syndrome. Last evaluated: 2019-05-28. Review status: criteria provided, single submitter. Criteria: Ambry Variant Classification Scheme 2023. Collection method: clinical testing. Allele origin: germline.

GeneDx
Classification: Likely benign. Last evaluated: 2015-10-02. Review status: criteria provided, single submitter. Criteria: GeneDx Variant Classification (06012015). Collection method: clinical testing. Allele origin: germline. Affected: yes.
Comment: This variant is considered likely benign or benign based on one or more of the following criteria: it is a conservative change, it occurs at a poorly conserved position in the protein, it is predicted to be benign by multiple in silico algorithms, and/or has population frequency not consistent with disease.

NM_000038.6(APC):c.3306C>T (p.Tyr1102=)

Gene: APC (APC regulator of Wnt signaling pathway; plus strand). Cytogenetic location: 5q22.2.
Variant type: single nucleotide variant.
Coding change: c.3306C>T on transcript NM_000038.6 (MANE Select); coding-DNA position 3306, C replaced by T.
Protein change: p.Tyr1102=; no amino-acid change (tyrosine 1102 retained).
Molecular consequence: synonymous variant.
Genome position (GRCh38, 1-based): chr5:112,838,900, C>T. VCF-style: chr5-112838900-C-T. GRCh37 (hg19) VCF-style: chr5-112174597-C-T.
Other names: c.3306C>T, p.Tyr1102= (NM_001127510.3, NM_001354895.2); c.3252C>T, p.Tyr1084= (NM_001127511.3); c.3360C>T, p.Tyr1120= (NM_001354896.2); c.3336C>T, p.Tyr1112= (NM_001354897.2); c.3231C>T, p.Tyr1077= (NM_001354898.2); c.3222C>T, p.Tyr1074= (NM_001354899.2); c.3183C>T, p.Tyr1061= (NM_001354900.2); c.3129C>T, p.Tyr1043= (NM_001354901.2); and 5 more.
Identifiers: ClinVar variation 378946 (VCV000378946.15), dbSNP rs879254092, ClinGen allele CA16604771.
Genomic context (GRCh38, chr5:112,838,900, plus strand): 5'-TGATGATAAACACCTCAAGTTCCAACCACATTTTGGACAGCAGGAATGTGTTTCTCCATA[C>T]AGGTCACGGGGAGCCAATGGTTCAGAAACAAATCGAGTGGGTTCTAATCATGGAATTAAT-3'
Protein context (NP_000029.2, residues 1092-1112): HFGQQECVSP[Tyr1102=]RSRGANGSET